The following is an entry in ClinVar:

NM_013266.4(CTNNA3):c.674G>T (p.Cys225Phe)

Gene: CTNNA3 (catenin alpha 3; minus strand). Cytogenetic location: 10q21.3.
Variant type: single nucleotide variant.
Coding change: c.674G>T on transcript NM_013266.4 (MANE Select); coding-DNA position 674, G replaced by T.
Protein change: p.Cys225Phe; replaces cysteine 225 with phenylalanine.
Molecular consequence: missense variant.
Genome position (GRCh38, 1-based): chr10:67,219,776, C>A on the plus strand (G>T on the coding strand, the complement: CTNNA3 is on the minus strand). VCF-style: chr10-67219776-C-A. GRCh37 (hg19) VCF-style: chr10-68979534-C-A.
Other names: c.674G>T (NM_013266.2); c.674G>T, p.Cys225Phe (NM_001127384.3); c.710G>T, p.Cys237Phe (NM_001291133.2); short protein forms C225F, C237F.
Identifiers: ClinVar variation 572206 (VCV000572206.8), dbSNP rs747835139, ClinGen allele CA5520520.

ClinVar aggregate classification (germline): Conflicting classifications of pathogenicity. Review status: criteria provided, conflicting classifications (1 of 4 stars). 3 submissions from 3 submitters: Uncertain significance (2); Likely benign (1). Last evaluated 2025-06-11.

Conditions:
Arrhythmogenic right ventricular dysplasia 13. Also called: Arrhythmogenic right ventricular dysplasia, familial, 13; ARRHYTHMOGENIC RIGHT VENTRICULAR CARDIOMYOPATHY 13. Identifiers: MedGen C3810138, MONDO:0000908, OMIM 615616.

Allele frequency attached by ClinVar (database versions not stated): ExAC 0.00001; gnomAD 0.00003; gnomAD exomes 0.00003; TOPMed 0.00003.
gnomAD v4.1: 99 of 1,614,000 alleles (0.0061%); highest among the groups gnomAD compares: Non-Finnish European, 0.0077%; no homozygotes.

Submissions (3):

Labcorp Genetics (formerly Invitae), Labcorp
Classification: Uncertain significance for Arrhythmogenic right ventricular dysplasia 13. Last evaluated: 2025-06-11. Review status: criteria provided, single submitter. Criteria: Invitae Variant Classification Sherloc (09022015). Collection method: clinical testing. Allele origin: germline.
Comment: This sequence change replaces cysteine, which is neutral and slightly polar, with phenylalanine, which is neutral and non-polar, at codon 225 of the CTNNA3 protein (p.Cys225Phe). This variant is present in population databases (rs747835139, gnomAD 0.006%). This variant has not been reported in the literature in individuals affected with CTNNA3-related conditions. ClinVar contains an entry for this variant (Variation ID: 572206). Invitae Evidence Modeling of protein sequence and biophysical properties (such as structural, functional, and spatial information, amino acid conservation, physicochemical variation, residue mobility, and thermodynamic stability) indicates that this missense variant is not expected to disrupt CTNNA3 protein function with a negative predictive value of 80%. In summary, the available evidence is currently insufficient to determine the role of this variant in disease. Therefore, it has been classified as a Variant of Uncertain Significance.

Ambry Genetics
Classification: Uncertain significance. Last evaluated: 2024-10-03. Review status: criteria provided, single submitter. Criteria: Ambry Variant Classification Scheme 2023. Collection method: clinical testing. Allele origin: germline.

Blueprint Genetics
Classification: Likely benign. Last evaluated: 2023-07-05. Review status: criteria provided, single submitter. Criteria: ACMG Guidelines, 2015. Collection method: clinical testing. Allele origin: germline.